The following is an entry in ClinVar:

ClinVar aggregate classification (germline): Benign/Likely benign. Review status: criteria provided, multiple submitters, no conflicts (2 of 4 stars). 7 submissions from 7 submitters: Benign (2); Likely benign (4). 1 of the submissions does not count toward it. Last evaluated 2026-02-01.

Conditions:
Leber congenital amaurosis (LCA). Also called: Leber's amaurosis. Identifiers: Orphanet 65, MedGen C0339527, MeSH D057130, MONDO:0018998.
Joubert syndrome 5 (JBTS5). Identifiers: Orphanet 2318, MedGen C1857780, MONDO:0012432, OMIM 610188.
Leber congenital amaurosis 10 (LCA10). Identifiers: Orphanet 65, MedGen C1857821, MONDO:0012723, OMIM 611755.
Bardet-Biedl syndrome 14 (BBS14). Identifiers: Orphanet 110, MedGen C2673874, MONDO:0014442, OMIM 615991.
Senior-Loken syndrome 6 (SLSN6). Identifiers: Orphanet 3156, MedGen C1857779, MONDO:0012433, OMIM 610189.
Meckel syndrome, type 4 (MKS4). Also called: MECKEL-GRUBER SYNDROME, TYPE 4. Identifiers: Orphanet 564, MedGen C1970161, MONDO:0012626, OMIM 611134.
Nephronophthisis. Also called: Juvenile Nephronophthisis. Identifiers: Orphanet 655, MedGen C0687120, MONDO:0019005, HP:0000090.
Meckel-Gruber syndrome. Also called: GRUBER SYNDROME; Dysencephalia splachnocystica; DYSENCEPHALIA SPLANCHNOCYSTICA. Identifiers: Orphanet 564, MedGen C0265215, MONDO:0018921.
Joubert syndrome. Also called: JOUBERT-BOLTSHAUSER SYNDROME; Familial aplasia of the vermis. Identifiers: Orphanet 475, MedGen C5979921, MONDO:0018772.

Allele frequency attached by ClinVar (database versions not stated): gnomAD exomes 0.00028 and 0.00071; ExAC 0.00128; ESP Exome Variant Server 0.00237; gnomAD 0.00288 and 0.00305; TOPMed 0.00327; 1000 Genomes Project 30x 0.00359; 1000 Genomes Project 0.00379.
gnomAD v4.1: 858 of 1,553,506 alleles (0.055%); highest among the groups gnomAD compares: African/African-American, 0.97%; 4 homozygotes.

Submissions (7):

Labcorp Genetics (formerly Invitae), Labcorp
Classification: Benign for Joubert syndrome; Meckel-Gruber syndrome; Nephronophthisis. Last evaluated: 2026-02-01. Review status: criteria provided, single submitter. Criteria: Invitae Variant Classification Sherloc (09022015). Collection method: clinical testing. Allele origin: germline.

Blueprint Genetics
Classification: Likely benign. Last evaluated: 2024-11-25. Review status: criteria provided, single submitter. Criteria: ACMG Guidelines, 2015. Collection method: clinical testing. Allele origin: germline.

Genetic Services Laboratory, University of Chicago
Classification: Likely benign. Last evaluated: 2021-08-24. Review status: criteria provided, single submitter. Criteria: ACMG Guidelines, 2015. Collection method: clinical testing. Allele origin: germline. Affected: no.

Fulgent Genetics
Classification: Likely benign for Joubert syndrome 5; Senior-Loken syndrome 6; Meckel syndrome, type 4; Leber congenital amaurosis 10; Bardet-Biedl syndrome 14. Last evaluated: 2021-07-23. Review status: criteria provided, single submitter. Criteria: ACMG Guidelines, 2015. Collection method: clinical testing. Allele origin: unknown.

Eurofins Ntd Llc (ga)
Classification: Benign. Last evaluated: 2017-02-28. Review status: criteria provided, single submitter. Criteria: EGL Classification Definitions 2015. Collection method: clinical testing. Allele origin: germline. Observed: 2 variant alleles, 2 heterozygotes.

GeneDx
Classification: Likely benign. Last evaluated: 2016-12-01. Review status: criteria provided, single submitter. Criteria: GeneDx Variant Classification (06012015). Collection method: clinical testing. Allele origin: germline. Affected: yes.
Comment: This variant is considered likely benign or benign based on one or more of the following criteria: it is a conservative change, it occurs at a poorly conserved position in the protein, it is predicted to be benign by multiple in silico algorithms, and/or has population frequency not consistent with disease.

Natera, Inc.
Classification: Benign for Leber congenital amaurosis. Last evaluated: 2019-12-10. Review status: no assertion criteria provided. Collection method: clinical testing. Allele origin: germline. Not counted in ClinVar's aggregate classification.

NM_025114.4(CEP290):c.6960+10G>A

Gene: CEP290 (centrosomal protein 290; minus strand). Cytogenetic location: 12q21.32.
Variant type: single nucleotide variant.
Coding change: c.6960+10G>A on transcript NM_025114.4 (MANE Select); 10 bases into the intron after coding-DNA position 6960, G replaced by A.
Molecular consequence: intron variant.
Genome position (GRCh38, 1-based): chr12:88,055,566, C>T on the plus strand (G>A on the coding strand, the complement: CEP290 is on the minus strand). VCF-style: chr12-88055566-C-T. GRCh37 (hg19) VCF-style: chr12-88449343-C-T.
Identifiers: ClinVar variation 391224 (VCV000391224.22), dbSNP rs75011402, ClinGen allele CA6711397.